The following is an entry in ClinVar:

NM_001048174.2(MUTYH):c.1526T>C (p.Ile509Thr)

Gene: MUTYH (mutY DNA glycosylase; minus strand). Cytogenetic location: 1p34.1.
Variant type: single nucleotide variant.
Coding change: c.1526T>C on transcript NM_001048174.2 (MANE Select); coding-DNA position 1526, T replaced by C.
Protein change: p.Ile509Thr; replaces isoleucine 509 with threonine.
Molecular consequence: missense variant. On other transcripts: non-coding transcript variant (7).
Genome position (GRCh38, 1-based): chr1:45,329,346, A>G on the plus strand (T>C on the coding strand, the complement: MUTYH is on the minus strand). VCF-style: chr1-45329346-A-G. GRCh37 (hg19) VCF-style: chr1-45795018-A-G.
Other names: c.1529T>C, p.Ile510Thr (NM_001407071.1, NM_001407078.1, NM_001048172.2 and 1 more transcripts); c.1526T>C, p.Ile509Thr (NM_001407072.1, NM_001407073.1, NM_001407081.1 and 6 more transcripts); c.1442T>C, p.Ile481Thr (NM_001407075.1); c.1559T>C, p.Ile520Thr (NM_001407077.1, NM_001293191.2, NM_001407069.1); c.1487T>C, p.Ile496Thr (NM_001407079.1); c.1484T>C, p.Ile495Thr (NM_001407080.1); c.1181T>C, p.Ile394Thr (NM_001407082.1, NM_001350650.2, NM_001350651.2); c.1610T>C, p.Ile537Thr (NM_001128425.2); and 5 more; short protein forms I394T, I520T, I524T, I534T, I496T, I516T, I523T, I537T.
Identifiers: ClinVar variation 4113437 (VCV004113437.1).

ClinVar aggregate classification (germline): Uncertain significance (1 of 4 stars; one submission).

Conditions:
Hereditary cancer-predisposing syndrome. Also called: Hereditary neoplastic syndrome; Neoplastic Syndromes, Hereditary; Tumor predisposition; Hereditary Cancer Syndrome. Identifiers: Orphanet 140162, MedGen C0027672, MeSH D009386, MONDO:0015356.

Submission:

Ambry Genetics
Classification: Uncertain significance for Hereditary cancer-predisposing syndrome. Last evaluated: 2025-08-27. Review status: criteria provided, single submitter. Criteria: Ambry Variant Classification Scheme 2023. Collection method: clinical testing. Allele origin: germline.
Comment: The p.I537T variant (also known as c.1610T>C), located in coding exon 16 of the MUTYH gene, results from a T to C substitution at nucleotide position 1610. The isoleucine at codon 537 is replaced by threonine, an amino acid with similar properties. This amino acid position is conserved. In addition, this alteration is predicted to be tolerated by in silico analysis. Based on the available evidence, the clinical significance of this variant remains unclear.